The following is an entry in ClinVar:

ClinVar aggregate classification (germline): Pathogenic. Review status: criteria provided, multiple submitters, no conflicts (2 of 4 stars). 2 submissions from 2 submitters: Pathogenic (2). Last evaluated 2024-06-14.

Conditions:
Primary ciliary dyskinesia. Also called: Ciliary dyskinesia. Identifiers: Orphanet 244, MedGen C0008780, MONDO:0016575, HP:0012265.
RPGR-related disorder. Also called: RPGR-related condition.

Submissions (2):

Blueprint Genetics
Classification: Pathogenic for RPGR-related disorders. Last evaluated: 2024-06-14. Review status: criteria provided, single submitter. Criteria: ACMG Guidelines, 2015. Collection method: clinical testing. Allele origin: germline. Affected: yes. Observed: 3 variant alleles.

Labcorp Genetics (formerly Invitae), Labcorp
Classification: Pathogenic for Primary ciliary dyskinesia. Last evaluated: 2022-08-12. Review status: criteria provided, single submitter. Criteria: Invitae Variant Classification Sherloc (09022015). Collection method: clinical testing. Allele origin: germline.
Comment: This variant has not been reported in the literature in individuals affected with RPGR (ORF15)-related conditions. This sequence change creates a premature translational stop signal (p.Glu739*) in the RPGR (ORF15) gene. While this is not anticipated to result in nonsense mediated decay, it is expected to disrupt the last 414 amino acid(s) of the RPGR (ORF15) protein. This variant is not present in population databases (gnomAD no frequency). This variant disrupts a region of the RPGR (ORF15) protein in which other variant(s) (p.Leu1130Lysfs*13) have been determined to be pathogenic (PMID: 22264887; Invitae). This suggests that this is a clinically significant region of the protein, and that variants that disrupt it are likely to be disease-causing. For these reasons, this variant has been classified as Pathogenic.

Literature cited by the submitters: PubMed 22264887 (cited by Labcorp Genetics (formerly Invitae), Labcorp).

NM_001034853.2(RPGR):c.2215G>T (p.Glu739Ter)

Gene: RPGR (retinitis pigmentosa GTPase regulator; minus strand). Cytogenetic location: Xp11.4.
Variant type: single nucleotide variant.
Coding change: c.2215G>T on transcript NM_001034853.2 (MANE Select); coding-DNA position 2215, G replaced by T.
Protein change: p.Glu739Ter; replaces glutamic acid 739 with a stop codon.
Molecular consequence: nonsense. On other transcripts: intron variant (8).
Genome position (GRCh38, 1-based): chrX:38,286,784, C>A on the plus strand (G>T on the coding strand, the complement: RPGR is on the minus strand). VCF-style: chrX-38286784-C-A. GRCh37 (hg19) VCF-style: chrX-38146037-C-A.
Other names: c.1569+4175G>T (NM_001367249.1, NM_001367250.1); c.1902+310G>T (NM_001367245.1); c.1386+4175G>T (NM_001367251.1); c.1719+310G>T (NM_001367246.1); c.1572+4175G>T (NM_001367247.1); c.1905+310G>T (NM_000328.3); c.1602+4175G>T (NM_001367248.1); short protein forms E739*.
Identifiers: ClinVar variation 2023652 (VCV002023652.5), dbSNP rs1459539276, ClinGen allele CA412731171.